The following is an entry in ClinVar:

ClinVar aggregate classification (germline): Likely benign (1 of 4 stars; one submission).

gnomAD v4.1: 70 of 1,048,738 alleles (0.0067%); highest among the groups gnomAD compares: Non-Finnish European, 0.0073%; no homozygotes.

Submission:

CeGaT Center for Human Genetics Tuebingen
Classification: Likely benign. Last evaluated: 2026-09-01. Review status: criteria provided, single submitter. Criteria: CeGaT Center For Human Genetics Tuebingen Variant Classification Criteria Version 2. Collection method: clinical testing. Allele origin: germline. Affected: yes. Observed: 1 variant allele.
Comment: CHD3: BP4, BP7

NM_001005271.3(CHD3):c.240G>A (p.Pro80=)

Genes: CHD3 (chromodomain helicase DNA binding protein 3; plus strand), NAA38 (N-alpha-acetyltransferase 38, NatC auxiliary subunit; minus strand). Cytogenetic location: 17p13.1.
Variant type: single nucleotide variant.
Coding change: c.240G>A on transcript NM_001005271.3; coding-DNA position 240, G replaced by A.
Protein change: p.Pro80=; no amino-acid change (proline 80 retained).
Molecular consequence: synonymous variant. On other transcripts: intron variant (1).
Genome position (GRCh38, 1-based): chr17:7,885,046, G>A. VCF-style: chr17-7885046-G-A. GRCh37 (hg19) VCF-style: chr17-7788364-G-A.
Other names: c.240G>A, p.Pro80= (NM_001437504.1, NM_001437507.1, NM_001437508.1 and 1 more transcripts); c.-167+119C>T (NM_001330111.2).
Identifiers: ClinVar variation 5038667 (VCV005038667.1).